The following is an entry in ClinVar:

ClinVar aggregate classification (germline): Pathogenic. Review status: criteria provided, single submitter (1 of 4 stars). 2 submissions from 2 submitters: Pathogenic (1). 1 of the submissions does not count toward it. Last evaluated 2026-01-14.

Conditions:
Nephrogenic diabetes insipidus. Identifiers: Orphanet 223, MedGen C0162283, MONDO:0016383, HP:0009806.
Diabetes insipidus, nephrogenic, autosomal (NDI2). Also called: Diabetes insipidus, nephrogenic, 2, autosomal; Nephrogenic Diabetes Insipidus, Type II. Identifiers: Orphanet 223, MedGen C1563706, MONDO:0007451, OMIM 125800.

Submissions (2):

Natera, Inc.
Classification: Pathogenic for Nephrogenic diabetes insipidus. Last evaluated: 2026-01-14. Review status: criteria provided, single submitter. Criteria: Natera Variant Classification Schema (03/2026). Collection method: clinical testing. Allele origin: germline.
Comment: The c.3G>T variant in AQP2 is predicted to result in start loss due to disruption of the initiator methionine. This variant is expected to result in nonsense mediated decay, truncation, or a dysfunctional protein product. This variant is rare in the general population with a frequency below the threshold expected for the associated phenotype(s). This variant has been observed in one or more individuals affected with the associated recessive disease, as either homozygous or compound heterozygous with a second variant (PMID: 18473191). Given the available evidence, this variant is classified as Pathogenic.

Beijing Key Laboratory for Genetic Research of Skeletal Deformity, Peking Union Medical College Hospital
Classification: Pathogenic for Diabetes insipidus, nephrogenic, autosomal. Last evaluated: 2019-05-31. Review status: no assertion criteria provided. Collection method: research. Allele origin: unknown. Affected: yes. Not counted in ClinVar's aggregate classification.

Literature cited by the submitters: PubMed 18473191 (cited by Natera, Inc.).

NM_000486.6(AQP2):c.3G>T (p.Met1Ile)

Gene: AQP2 (aquaporin 2; plus strand). Cytogenetic location: 12q13.12.
Variant type: single nucleotide variant.
Coding change: c.3G>T on transcript NM_000486.6 (MANE Select); coding-DNA position 3, G replaced by T.
Protein change: p.Met1Ile; changes the start codon (methionine 1).
Molecular consequence: missense variant, initiator codon variant.
Genome position (GRCh38, 1-based): chr12:49,950,833, G>T. VCF-style: chr12-49950833-G-T. GRCh37 (hg19) VCF-style: chr12-50344616-G-T.
Other names: short protein forms M1I.
Identifiers: ClinVar variation 998050 (VCV000998050.4), dbSNP rs1288385043, ClinGen allele CA384771345.